The following is an entry in ClinVar:

ClinVar aggregate classification (germline): Uncertain significance (1 of 4 stars; one submission).

Conditions:
Cardiovascular phenotype. Identifiers: MedGen CN230736.

Submission:

Ambry Genetics
Classification: Uncertain significance for Cardiovascular phenotype. Last evaluated: 2025-07-30. Review status: criteria provided, single submitter. Criteria: Ambry Variant Classification Scheme 2023. Collection method: clinical testing. Allele origin: germline.
Comment: The p.V338L variant (also known as c.1012G>C), located in coding exon 10 of the MYH7 gene, results from a G to C substitution at nucleotide position 1012. The valine at codon 338 is replaced by leucine, an amino acid with highly similar properties. Other variant(s) at the same codon, p.V338M (c.1012G>A), have been identified in individual(s) with features consistent with hypertrophic cardiomyopathy (HCM) and has shown some segregation with disease (Ho CY et al. Circ Cardiovasc Imaging, 2013 May;6:415-22; Captur G et al. Circ Cardiovasc Imaging. 2014;7:863-71; Homburger JR et al. Proc Natl Acad Sci USA. 2016;113(24):6701-6; Walsh R et al. Genet Med. 2017;19(2):192-203; Chida A et al. Heart Vessels. 2017 Jun;32(6):700-707; Mademont-Soler I et al. PLoS One. 2017 Aug;12(8):e0181465). This amino acid position is well conserved in available vertebrate species. In addition, the in silico prediction for this alteration is inconclusive. Based on the available evidence, the clinical significance of this variant remains unclear.

NM_000257.4(MYH7):c.1012G>C (p.Val338Leu)

Gene: MYH7 (myosin heavy chain 7; minus strand). Cytogenetic location: 14q11.2.
Variant type: single nucleotide variant.
Coding change: c.1012G>C on transcript NM_000257.4 (MANE Select); coding-DNA position 1012, G replaced by C.
Protein change: p.Val338Leu; replaces valine 338 with leucine.
Molecular consequence: missense variant.
Genome position (GRCh38, 1-based): chr14:23,429,901, C>G on the plus strand (G>C on the coding strand, the complement: MYH7 is on the minus strand). VCF-style: chr14-23429901-C-G. GRCh37 (hg19) VCF-style: chr14-23899110-C-G.
Other names: c.1012G>C, p.Val338Leu (NM_001407004.1); short protein forms V338L.
Identifiers: ClinVar variation 4114883 (VCV004114883.1).